The following is an entry in ClinVar:

ClinVar aggregate classification (germline): Uncertain significance (1 of 4 stars; one submission).

Allele frequency attached by ClinVar (database versions not stated): TOPMed 0.00001.
gnomAD v4.1: 1 of 1,613,952 alleles (0.000062%); highest among the groups gnomAD compares: Non-Finnish European, 0.000085%; no homozygotes.

Submission:

Labcorp Genetics (formerly Invitae), Labcorp
Classification: Uncertain significance. Last evaluated: 2022-08-23. Review status: criteria provided, single submitter. Criteria: Invitae Variant Classification Sherloc (09022015). Collection method: clinical testing. Allele origin: germline.
Comment: In summary, the available evidence is currently insufficient to determine the role of this variant in disease. Therefore, it has been classified as a Variant of Uncertain Significance. Algorithms developed to predict the effect of missense changes on protein structure and function output the following: SIFT: "Deleterious"; PolyPhen-2: "Benign"; Align-GVGD: "Class C0". The phenylalanine amino acid residue is found in multiple mammalian species, which suggests that this missense change does not adversely affect protein function. ClinVar contains an entry for this variant (Variation ID: 1501335). This variant has not been reported in the literature in individuals affected with MERTK-related conditions. This variant is not present in population databases (gnomAD no frequency). This sequence change replaces leucine, which is neutral and non-polar, with phenylalanine, which is neutral and non-polar, at codon 519 of the MERTK protein (p.Leu519Phe).

NM_006343.3(MERTK):c.1557A>T (p.Leu519Phe)

Gene: MERTK (MER proto-oncogene, tyrosine kinase; plus strand). Cytogenetic location: 2q13.
Variant type: single nucleotide variant.
Coding change: c.1557A>T on transcript NM_006343.3 (MANE Select); coding-DNA position 1557, A replaced by T.
Protein change: p.Leu519Phe; replaces leucine 519 with phenylalanine.
Molecular consequence: missense variant.
Genome position (GRCh38, 1-based): chr2:111,997,429, A>T. VCF-style: chr2-111997429-A-T. GRCh37 (hg19) VCF-style: chr2-112755006-A-T.
Other names: short protein forms L519F.
Identifiers: ClinVar variation 1501335 (VCV001501335.6), dbSNP rs1676771800, ClinGen allele CA348231477.